The following is an entry in ClinVar:

NM_000133.4(F9):c.1010C>T (p.Ala337Val)

Gene: F9 (coagulation factor IX; plus strand). Cytogenetic location: Xq27.1.
Variant type: single nucleotide variant.
Coding change: c.1010C>T on transcript NM_000133.4 (MANE Select); coding-DNA position 1010, C replaced by T.
Protein change: p.Ala337Val; replaces alanine 337 with valine.
Molecular consequence: missense variant.
Genome position (GRCh38, 1-based): chrX:139,561,695, C>T. VCF-style: chrX-139561695-C-T. GRCh37 (hg19) VCF-style: chrX-138643854-C-T.
Other names: NM_000133.4:c.1010C>T; c.896C>T, p.Ala299Val (NM_001313913.2); short protein forms A299V, A337V.
Identifiers: ClinVar variation 3242389 (VCV003242389.1), dbSNP rs1928111051.
Genomic context (GRCh38, chrX:139,561,695, plus strand): 5'-CCCTTCTGGAACTGGACGAACCCTTAGTGCTAAACAGCTACGTTACACCTATTTGCATTG[C>T]TGACAAGGAATACACGAACATCTTCCTCAAATTTGGATCTGGCTATGTAAGTGGCTGGGG-3'
Protein context (NP_000124.1, residues 327-347): LNSYVTPICI[Ala337Val]DKEYTNIFLK

ClinVar aggregate classification (germline): Pathogenic (3 of 4 stars; one submission).

Conditions:
Hereditary factor IX deficiency disease (HEMB). Also called: F9 DEFICIENCY; FACTOR IX DEFICIENCY; PLASMA THROMBOPLASTIN COMPONENT DEFICIENCY; Hemophilia B; Christmas Disease. Identifiers: Orphanet 98879, MedGen C0008533, MeSH D002836, MONDO:0010604, OMIM 306900.

Allele frequency attached by ClinVar (database versions not stated): TOPMed 0.00002.

Submission:

ClinGen Coagulation Factor Deficiency Variant Curation Expert Panel, Clingen
Classification: Pathogenic for Hereditary factor IX deficiency disease. Last evaluated: 2024-04-26. Review status: reviewed by expert panel. Criteria: ClinGen CoagFactor ACMG Specifications F9 V1.0.0. Collection method: curation. Allele origin: germline. Inheritance: X-linked inheritance.
Comment: The c.1010C>T (NM_000133.4) variant in F9 is a missense variant predicted to cause substitution of alanine by valine at amino acid 337 (p.Ala337Val). This variant is absent from males in population databases (gnomAD v2.1.1/gnomAD v3). This variant is reported in at least 4 unique probands with mild hemophilia B (PMID: 33760382; PMID: 29296726; PMID: 9450791), meeting phenotypic criteria for F9, including at least one patient with with assumed de novo occurrence (PMID: 9450791). The computational predictor REVEL gives a score of 0.727, which is above the threshold of 0.6, evidence that correlates with impact to F9 function (PP3). In summary, this variant meets criteria to be classified as pathogenic. ACMG/AMP criteria applied, as specified by the Coagulation Factor Deficiency Variant Curation Expert Panel for F9: PS4 + PP4_Moderate + PM2_Supporting + PP3 + PM6. (ClinGen Coagulation Factor Deficiency Expert Panel Specifications to the ACMG/AMP Variant Interpretation Guidelines for F9 Version 1.0.0., Released 10/5/2023).